The following is an entry in ClinVar:

NM_014208.3(DSPP):c.3628A>G (p.Ser1210Gly)

Genes: DMP1-AS1 (DMP1 and DSPP antisense RNA 1; minus strand), DSPP (dentin sialophosphoprotein; plus strand). Cytogenetic location: 4q22.1.
Variant type: single nucleotide variant.
Coding change: c.3628A>G on transcript NM_014208.3 (MANE Select); coding-DNA position 3628, A replaced by G.
Protein change: p.Ser1210Gly; replaces serine 1210 with glycine.
Molecular consequence: missense variant.
Genome position (GRCh38, 1-based): chr4:87,616,290, A>G. VCF-style: chr4-87616290-A-G. GRCh37 (hg19) VCF-style: chr4-88537442-A-G.
Other names: short protein forms S1210G.
Identifiers: ClinVar variation 3505556 (VCV003505556.2).

ClinVar aggregate classification (germline): Uncertain significance. Review status: criteria provided, multiple submitters, no conflicts (2 of 4 stars). 2 submissions from 2 submitters: Uncertain significance (2). Last evaluated 2024-12-02.

Conditions:
Inborn genetic diseases. Identifiers: MedGen C0950123, MeSH D030342.

gnomAD v4.1: 41 of 1,379,842 alleles (0.003%); highest among the groups gnomAD compares: Admixed American, 0.077%; no homozygotes.

Submissions (2):

Women's Health and Genetics/Laboratory Corporation of America, LabCorp
Classification: Uncertain significance. Last evaluated: 2024-12-02. Review status: criteria provided, single submitter. Criteria: LabCorp Variant Classification Summary - May 2015. Collection method: clinical testing. Allele origin: germline.
Comment: Variant summary: DSPP c.3628A>G (p.Ser1210Gly) results in a non-conservative amino acid change in the encoded protein sequence. Three of five in-silico tools predict a benign effect of the variant on protein function. The variant allele was found at a frequency of 7.2e-05 in 151996 control chromosomes, predominantly at a frequency of 0.00045 within the Latino subpopulation in the gnomAD database. This frequency is not significantly higher than estimated for a pathogenic variant in DSPP causing Dentinogenesis Imperfecta Type 2, allowing no conclusion about variant significance. To our knowledge, no occurrence of c.3628A>G in individuals affected with Dentinogenesis Imperfecta Type 2 and no experimental evidence demonstrating its impact on protein function have been reported. No submitters have cited clinical-significance assessments for this variant to ClinVar. Based on the evidence outlined above, the variant was classified as uncertain significance.

Ambry Genetics
Classification: Uncertain significance for Inborn genetic diseases. Last evaluated: 2024-08-12. Review status: criteria provided, single submitter. Criteria: Ambry Variant Classification Scheme 2023. Collection method: clinical testing. Allele origin: germline.